The following is an entry in ClinVar:

ClinVar aggregate classification (germline): Benign. Review status: criteria provided, multiple submitters, no conflicts (2 of 4 stars). 3 submissions from 3 submitters: Benign (3). Last evaluated 2023-11-12.

Allele frequency attached by ClinVar (database versions not stated): gnomAD exomes 0.24707; ESP Exome Variant Server 0.31231; gnomAD 0.31606 and 0.31820; TOPMed 0.31937; 1000 Genomes Project 30x 0.33760; 1000 Genomes Project 0.34165.
gnomAD v4.1: 392,850 of 1,544,380 alleles (25%); highest among the groups gnomAD compares: African/African-American, 51%; 54,373 homozygotes.

Submissions (3):

Unidad de Genómica Garrahan, Hospital de Pediatría Garrahan
Classification: Benign. Last evaluated: 2023-11-12. Review status: criteria provided, single submitter. Criteria: ACMG Guidelines, 2015. Collection method: clinical testing. Allele origin: germline. Affected: no. Observed: 37 variant alleles.
Comment: This variant is classified as Benign based on local population frequency. This variant was detected in 39% of patients studied by a panel of primary immunodeficiencies. Number of patients: 37. Only high quality variants are reported.

GeneDx
Classification: Benign. Last evaluated: 2018-11-27. Review status: criteria provided, single submitter. Criteria: GeneDx Variant Classification Process June 2021. Collection method: clinical testing. Allele origin: germline. Affected: yes.

Breakthrough Genomics
Classification: Benign. Review status: criteria provided, single submitter. Criteria: ACMG Guidelines, 2015. Collection method: not provided. Allele origin: germline. Inheritance: Autosomal recessive inheritance. Affected: yes.

NM_001261826.3(AP3D1):c.807-72T>C

Gene: AP3D1 (adaptor related protein complex 3 subunit delta 1; minus strand). Cytogenetic location: 19p13.3.
Variant type: single nucleotide variant.
Coding change: c.807-72T>C on transcript NM_001261826.3 (MANE Select); 72 bases into the intron before coding-DNA position 807, T replaced by C.
Molecular consequence: intron variant.
Genome position (GRCh38, 1-based): chr19:2,127,273, A>G on the plus strand (T>C on the coding strand, the complement: AP3D1 is on the minus strand). VCF-style: chr19-2127273-A-G. GRCh37 (hg19) VCF-style: chr19-2127272-A-G.
Other names: c.807-72T>C (NM_003938.8, NM_001374799.1).
Identifiers: ClinVar variation 1283118 (VCV001283118.4), dbSNP rs4807203, ClinGen allele CA14651183.